The following is an entry in ClinVar:

NM_182971.3(COX8C):c.180A>G (p.Ala60=)

Genes: COX8C (cytochrome c oxidase subunit 8C; plus strand), UNC79 (unc-79 subunit of NALCN channel complex; plus strand). Cytogenetic location: 14q32.12.
Variant type: single nucleotide variant.
Coding change: c.180A>G on transcript NM_182971.3 (MANE Select); coding-DNA position 180, A replaced by G.
Protein change: p.Ala60=; no amino-acid change (alanine 60 retained).
Molecular consequence: synonymous variant. On other transcripts: non-coding transcript variant (1), intron variant (1).
Genome position (GRCh38, 1-based): chr14:93,348,081, A>G. VCF-style: chr14-93348081-A-G. GRCh37 (hg19) VCF-style: chr14-93814427-A-G.
Other names: c.-351+14558A>G (NM_020818.5).
Identifiers: ClinVar variation 4533484 (VCV004533484.6).
Genomic context (GRCh38, chr14:93,348,081, plus strand): 5'-CTTCCAGGAAATGGCTGTTGGACTTGTGGTGTTTTTTACGACCTTCTTAACACCAGCTGC[A>G]TATGTGCTAGGCAACCTGAAGCAGTTCAGAAGGAATTAGATGGAAGATGATGTTGAACAG-3'
Protein context (NP_892016.1, residues 50-70): VFFTTFLTPA[Ala60=]YVLGNLKQFR

ClinVar aggregate classification (germline): Likely benign (1 of 4 stars; one submission).

gnomAD v4.1: 1,257 of 1,612,716 alleles (0.078%); highest among the groups gnomAD compares: Non-Finnish European, 0.097%; 1 homozygote.

Submission:

CeGaT Center for Human Genetics Tuebingen
Classification: Likely benign. Last evaluated: 2025-11-01. Review status: criteria provided, single submitter. Criteria: CeGaT Center For Human Genetics Tuebingen Variant Classification Criteria Version 2. Collection method: clinical testing. Allele origin: germline. Affected: yes. Observed: 1 variant allele.
Comment: COX8C: BP4, BP7